The following is an entry in ClinVar:

ClinVar aggregate classification (germline): Uncertain significance (1 of 4 stars; one submission).

Submission:

Labcorp Genetics (formerly Invitae), Labcorp
Classification: Uncertain significance. Last evaluated: 2021-06-11. Review status: criteria provided, single submitter. Criteria: Invitae Variant Classification Sherloc (09022015). Collection method: clinical testing. Allele origin: germline.
Comment: This sequence change replaces histidine with tyrosine at codon 1114 of the MSH3 protein (p.His1114Tyr). The histidine residue is weakly conserved and there is a moderate physicochemical difference between histidine and tyrosine. This variant is not present in population databases (ExAC no frequency). In summary, the available evidence is currently insufficient to determine the role of this variant in disease. Therefore, it has been classified as a Variant of Uncertain Significance. Algorithms developed to predict the effect of missense changes on protein structure and function (SIFT, PolyPhen-2, Align-GVGD) all suggest that this variant is likely to be tolerated, but these predictions have not been confirmed by published functional studies and their clinical significance is uncertain. This variant has not been reported in the literature in individuals with MSH3-related conditions.

NM_002439.5(MSH3):c.3340C>T (p.His1114Tyr)

Gene: MSH3 (mutS homolog 3; plus strand). Cytogenetic location: 5q14.1.
Variant type: single nucleotide variant.
Coding change: c.3340C>T on transcript NM_002439.5 (MANE Select); coding-DNA position 3340, C replaced by T.
Protein change: p.His1114Tyr; replaces histidine 1114 with tyrosine.
Molecular consequence: missense variant.
Genome position (GRCh38, 1-based): chr5:80,875,788, C>T. VCF-style: chr5-80875788-C-T. GRCh37 (hg19) VCF-style: chr5-80171607-C-T.
Other names: short protein forms H1114Y.
Identifiers: ClinVar variation 1477400 (VCV001477400.8), dbSNP rs2112131771, ClinGen allele CA360347347.
Genomic context (GRCh38, chr5:80,875,788, plus strand): 5'-AGTAGTATTTGATTTTTCCCCAGAAAGAGACTCAAGTATTTTGCAAAGTTATGGACGATG[C>T]ATAATGCACAAGACCTGCAGAAGTGGACAGAGGAGTTCAACATGGAAGAAACACAGACTT-3'
Protein context (NP_002430.3, residues 1104-1124): LKYFAKLWTM[His1114Tyr]NAQDLQKWTE